The following is an entry in ClinVar:

ClinVar aggregate classification (germline): Benign; risk factor. Review status: no assertion criteria provided (0 of 4 stars). 3 submissions from 3 submitters: Benign (1). 1 of the submissions does not count toward it. Last evaluated 2019-10-22.

Conditions:
Pseudofolliculitis barbae (PFB). Also called: INGROWN HAIRS; Pseudofolliculitis barbae, susceptibility to; PILI INCARNATI. Identifiers: MedGen C0549150, MONDO:0012865, OMIM 612318.
KRT75-related disorder. Also called: KRT75-related condition.

Allele frequency attached by ClinVar (database versions not stated): ExAC 0.12308; gnomAD exomes 0.12524; gnomAD 0.13834 and 0.14041; 1000 Genomes Project 30x 0.14272; 1000 Genomes Project 0.14317; TOPMed 0.14618.
gnomAD v4.1: 183,275 of 1,613,898 alleles (11%); highest among the groups gnomAD compares: African/African-American, 19%; 11,260 homozygotes.

Submissions (3):

PreventionGenetics, part of Exact Sciences
Classification: Benign for KRT75-related condition. Last evaluated: 2019-10-22. Review status: no assertion criteria provided. Collection method: clinical testing. Allele origin: germline.
Comment: This variant is classified as benign based on ACMG/AMP sequence variant interpretation guidelines (Richards et al. 2015 PMID: 25741868, with internal and published modifications).

OMIM
Classification: risk factor for PSEUDOFOLLICULITIS BARBAE, SUSCEPTIBILITY TO. Last evaluated: 2004-03-01. Review status: no assertion criteria provided. Collection method: literature only. Allele origin: germline.

Epithelial Biology;  Institute of Medical Biology, Singapore
No classification provided. Review status: no classification provided. Collection method: not provided. Allele origin: not provided. Not counted in ClinVar's aggregate classification.

Literature cited by the submitters: PubMed 15086549 (cited by OMIM).

NM_004693.3(KRT75):c.481G>A (p.Ala161Thr)

Gene: KRT75 (keratin 75; minus strand). Cytogenetic location: 12q13.13.
Variant type: single nucleotide variant.
Coding change: c.481G>A on transcript NM_004693.3 (MANE Select); coding-DNA position 481, G replaced by A.
Protein change: p.Ala161Thr; replaces alanine 161 with threonine.
Molecular consequence: missense variant.
Genome position (GRCh38, 1-based): chr12:52,433,824, C>T on the plus strand (G>A on the coding strand, the complement: KRT75 is on the minus strand). VCF-style: chr12-52433824-C-T. GRCh37 (hg19) VCF-style: chr12-52827608-C-T.
Other names: A12T; short protein forms A161T.
Identifiers: ClinVar variation 1891 (VCV000001891.5), dbSNP rs2232387, ClinGen allele CA115267.